The following is an entry in ClinVar:

ClinVar aggregate classification (germline): Benign/Likely benign. Review status: criteria provided, multiple submitters, no conflicts (2 of 4 stars). 4 submissions from 4 submitters: Benign (2); Likely benign (1). 1 of the submissions does not count toward it. Last evaluated 2025-12-18.

Allele frequency attached by ClinVar (database versions not stated): gnomAD exomes 0.00041 and 0.00126; ExAC 0.00154; gnomAD 0.00479 and 0.00511; ESP Exome Variant Server 0.00492; TOPMed 0.00527; 1000 Genomes Project 30x 0.00656; 1000 Genomes Project 0.00679.
gnomAD v4.1: 1,336 of 1,582,350 alleles (0.084%); highest among the groups gnomAD compares: African/African-American, 1.6%; 17 homozygotes.

Submissions (4):

Labcorp Genetics (formerly Invitae), Labcorp
Classification: Benign. Last evaluated: 2025-12-18. Review status: criteria provided, single submitter. Criteria: Invitae Variant Classification Sherloc (09022015). Collection method: clinical testing. Allele origin: germline.

GeneDx
Classification: Likely benign. Last evaluated: 2019-04-20. Review status: criteria provided, single submitter. Criteria: GeneDx Variant Classification Process June 2021. Collection method: clinical testing. Allele origin: germline. Affected: yes.
Comment: See Variant Classification Assertion Criteria.

Breakthrough Genomics
Classification: Benign. Review status: criteria provided, single submitter. Criteria: ACMG Guidelines, 2015. Collection method: not provided. Allele origin: germline. Inheritance: Autosomal recessive inheritance. Affected: yes.

Genetic Services Laboratory, University of Chicago
Classification: Likely benign for AllHighlyPenetrant. Review status: no assertion criteria provided. Collection method: clinical testing. Allele origin: germline. Inheritance: Autosomal recessive inheritance. Not counted in ClinVar's aggregate classification.
Comment: Likely benign based on allele frequency in 1000 Genomes Project or ESP global frequency and its presence in a patient with a rare or unrelated disease phenotype. NOT Sanger confirmed.

NM_022095.4(ZNF335):c.2821G>A (p.Ala941Thr)

Gene: ZNF335 (zinc finger protein 335; minus strand). Cytogenetic location: 20q13.12.
Variant type: single nucleotide variant.
Coding change: c.2821G>A on transcript NM_022095.4 (MANE Select); coding-DNA position 2821, G replaced by A.
Protein change: p.Ala941Thr; replaces alanine 941 with threonine.
Molecular consequence: missense variant.
Genome position (GRCh38, 1-based): chr20:45,952,515, C>T on the plus strand (G>A on the coding strand, the complement: ZNF335 is on the minus strand). VCF-style: chr20-45952515-C-T. GRCh37 (hg19) VCF-style: chr20-44581154-C-T.
Other names: short protein forms A941T.
Identifiers: ClinVar variation 130800 (VCV000130800.18), dbSNP rs116247914, ClinGen allele CA156088.
Genomic context (GRCh38, chr20:45,952,515, plus strand): 5'-GGGGCCATTTGGCACCAGAGGCCAGAGCATCTGGACTTGGGAAGGAGATGGAGCCATCTG[C>T]GGTGAGCTGTAGAGAGACAGGGAGCATGAGGTACTGAGAAGGGGAGGGAGGTGGGGGAGT-3'
Protein context (NP_071378.1, residues 931-951): GTQLHHIELT[Ala941Thr]DGSISFPSPD